The following is an entry in ClinVar:

ClinVar aggregate classification (germline): Uncertain significance. Review status: criteria provided, multiple submitters, no conflicts (2 of 4 stars). 2 submissions from 2 submitters: Uncertain significance (2). Last evaluated 2024-11-01.

Conditions:
Cardiovascular phenotype. Identifiers: MedGen CN230736.
Cutis laxa, autosomal recessive, type 1B (ARCL1B). Also called: CUTIS LAXA, AUTOSOMAL RECESSIVE, TYPE IB; EFEMP2-Related Cutis Laxa. Identifiers: Orphanet 90349, MedGen C3280798, MONDO:0013754, OMIM 614437. Disease mechanism: loss of function.

Allele frequency attached by ClinVar (database versions not stated): TOPMed 0.00002; ExAC 0.00007.

Submissions (2):

Ambry Genetics
Classification: Uncertain significance for Cardiovascular phenotype. Last evaluated: 2024-11-01. Review status: criteria provided, single submitter. Criteria: Ambry Variant Classification Scheme 2023. Collection method: clinical testing. Allele origin: germline.
Comment: The p.D386H variant (also known as c.1156G>C), located in coding exon 9 of the EFEMP2 gene, results from a G to C substitution at nucleotide position 1156. The aspartic acid at codon 386 is replaced by histidine, an amino acid with similar properties. This amino acid position is conserved. In addition, this alteration is predicted to be deleterious by in silico analysis. Based on the available evidence, the clinical significance of this variant remains unclear.

Labcorp Genetics (formerly Invitae), Labcorp
Classification: Uncertain significance for Cutis laxa, autosomal recessive, type 1B. Last evaluated: 2020-01-30. Review status: criteria provided, single submitter. Criteria: Invitae Variant Classification Sherloc (09022015). Collection method: clinical testing. Allele origin: germline.
Comment: In summary, the available evidence is currently insufficient to determine the role of this variant in disease. Therefore, it has been classified as a Variant of Uncertain Significance. Algorithms developed to predict the effect of missense changes on protein structure and function (SIFT, PolyPhen-2, Align-GVGD) all suggest that this variant is likely to be disruptive, but these predictions have not been confirmed by published functional studies and their clinical significance is uncertain. This variant has not been reported in the literature in individuals with EFEMP2-related conditions. This variant is present in population databases (rs777806636, ExAC 0.06%). This sequence change replaces aspartic acid with histidine at codon 386 of the EFEMP2 protein (p.Asp386His). The aspartic acid residue is highly conserved and there is a moderate physicochemical difference between aspartic acid and histidine.

NM_016938.5(EFEMP2):c.1156G>C (p.Asp386His)

Gene: EFEMP2 (EGF-like fibulin extracellular matrix protein 2; minus strand). Cytogenetic location: 11q13.1.
Variant type: single nucleotide variant.
Coding change: c.1156G>C on transcript NM_016938.5 (MANE Select); coding-DNA position 1156, G replaced by C.
Protein change: p.Asp386His; replaces aspartic acid 386 with histidine.
Molecular consequence: missense variant. On other transcripts: non-coding transcript variant (1).
Genome position (GRCh38, 1-based): chr11:65,867,875, C>G on the plus strand (G>C on the coding strand, the complement: EFEMP2 is on the minus strand). VCF-style: chr11-65867875-C-G. GRCh37 (hg19) VCF-style: chr11-65635346-C-G.
Other names: c.1156G>C (NM_016938.4); short protein forms D386H.
Identifiers: ClinVar variation 1007038 (VCV001007038.8), dbSNP rs777806636, ClinGen allele CA6110403.
Genomic context (GRCh38, chr11:65,867,875, plus strand): 5'-TCAGTTTTAGATTGTGCATGTCAGTTGAGGGTTGCAGAAACCTTACCCTAATGTAAAAGT[C>G]CCCCTGCGAGTTTCCAGCACGGATCTGAAAGGCATTGTAGGCACCGGGGTAGACGGAGGT-3'
Protein context (NP_058634.4, residues 376-396): FQIRAGNSQG[Asp386His]FYIRQINNVS